The following is an entry in ClinVar:

ClinVar aggregate classification (germline): Uncertain significance (1 of 4 stars; one submission).

Conditions:
Dilated cardiomyopathy 1O (CMD1O). Also called: CARDIOMYOPATHY, DILATED, WITH VENTRICULAR TACHYCARDIA. Identifiers: Orphanet 154, MedGen C1837839, MONDO:0012062, OMIM 608569.

Allele frequency attached by ClinVar (database versions not stated): TOPMed 0.00001.

Submission:

Labcorp Genetics (formerly Invitae), Labcorp
Classification: Uncertain significance for Dilated cardiomyopathy 1O. Last evaluated: 2026-01-12. Review status: criteria provided, single submitter. Criteria: Invitae Variant Classification Sherloc (09022015). Collection method: clinical testing. Allele origin: germline.
Comment: This sequence change replaces leucine, which is neutral and non-polar, with valine, which is neutral and non-polar, at codon 1089 of the ABCC9 protein (p.Leu1089Val). This variant is not present in population databases (gnomAD no frequency). This variant has not been reported in the literature in individuals affected with ABCC9-related conditions. ClinVar contains an entry for this variant (Variation ID: 1034776). Invitae Evidence Modeling of protein sequence and biophysical properties (such as structural, functional, and spatial information, amino acid conservation, physicochemical variation, residue mobility, and thermodynamic stability) has been performed for this missense variant. However, the output from this modeling did not meet the statistical confidence thresholds required to predict the impact of this variant on ABCC9 protein function. In summary, the available evidence is currently insufficient to determine the role of this variant in disease. Therefore, it has been classified as a Variant of Uncertain Significance.

NM_020297.4(ABCC9):c.3265C>G (p.Leu1089Val)

Gene: ABCC9 (ATP binding cassette subfamily C member 9; minus strand). Cytogenetic location: 12p12.1.
Variant type: single nucleotide variant.
Coding change: c.3265C>G on transcript NM_020297.4 (MANE Select); coding-DNA position 3265, C replaced by G.
Protein change: p.Leu1089Val; replaces leucine 1089 with valine.
Molecular consequence: missense variant.
Genome position (GRCh38, 1-based): chr12:21,844,533, G>C on the plus strand (C>G on the coding strand, the complement: ABCC9 is on the minus strand). VCF-style: chr12-21844533-G-C. GRCh37 (hg19) VCF-style: chr12-21997467-G-C.
Other names: c.3265C>G, p.Leu1089Val (NM_001377273.1, NM_005691.4); c.2398C>G, p.Leu800Val (NM_001377274.1); short protein forms L800V, L1089V.
Identifiers: ClinVar variation 1034776 (VCV001034776.10), dbSNP rs1944535818, ClinGen allele CA384118179.